The following is an entry in ClinVar:

ClinVar aggregate classification (germline): Uncertain significance (1 of 4 stars; one submission).

Conditions:
Cardiovascular phenotype. Identifiers: MedGen CN230736.

Submission:

Ambry Genetics
Classification: Uncertain significance for Cardiovascular phenotype. Last evaluated: 2025-12-01. Review status: criteria provided, single submitter. Criteria: Ambry Variant Classification Scheme 2023. Collection method: clinical testing. Allele origin: germline.
Comment: The p.M913I variant (also known as c.2739G>T), located in coding exon 12 of the MYPN gene, results from a G to T substitution at nucleotide position 2739. The methionine at codon 913 is replaced by isoleucine, an amino acid with highly similar properties. This amino acid position is conserved. In addition, the in silico prediction for this alteration is inconclusive. Based on the available evidence, the clinical significance of this variant remains unclear.

NM_032578.4(MYPN):c.2739G>T (p.Met913Ile)

Gene: MYPN (myopalladin; plus strand). Cytogenetic location: 10q21.3.
Variant type: single nucleotide variant.
Coding change: c.2739G>T on transcript NM_032578.4 (MANE Select); coding-DNA position 2739, G replaced by T.
Protein change: p.Met913Ile; replaces methionine 913 with isoleucine.
Molecular consequence: missense variant. On other transcripts: non-coding transcript variant (2).
Genome position (GRCh38, 1-based): chr10:68,188,940, G>T. VCF-style: chr10-68188940-G-T. GRCh37 (hg19) VCF-style: chr10-69948697-G-T.
Other names: c.2739G>T, p.Met913Ile (NM_001256267.2); c.1857G>T, p.Met619Ile (NM_001256268.2); short protein forms M619I, M913I.
Identifiers: ClinVar variation 4614677 (VCV004614677.1).
Genomic context (GRCh38, chr10:68,188,940, plus strand): 5'-TGAAACACGTTTGTCATTTTGACAGGAGTACAAAATTTCAAGCTTTGAGCAGAGGCTGAT[G>T]AATGAAATAGAGTTTCGCTTGGAACGTACTCCTGTTGATGAATCAGATGATGAAATTCAA-3'
Protein context (NP_115967.2, residues 903-923): YKISSFEQRL[Met913Ile]NEIEFRLERT